The following is an entry in ClinVar:

ClinVar aggregate classification (germline): Benign/Likely benign. Review status: criteria provided, multiple submitters, no conflicts (2 of 4 stars). 3 submissions from 3 submitters: Benign (1); Likely benign (2). Last evaluated 2025-01-23.

Conditions:
Hereditary cancer-predisposing syndrome. Also called: Neoplastic Syndromes, Hereditary; Hereditary Cancer Syndrome; Tumor predisposition; Hereditary neoplastic syndrome. Identifiers: Orphanet 140162, MedGen C0027672, MeSH D009386, MONDO:0015356.
Lynch syndrome 4 (LYNCH4). Also called: Colorectal cancer, hereditary nonpolyposis, type 4; Hereditary non-polyposis colorectal cancer, type 4. Identifiers: Orphanet 144, MedGen C1838333, MONDO:0013699, OMIM 614337. Disease mechanism: loss of function.

Allele frequency attached by ClinVar (database versions not stated): gnomAD 0.00001.
gnomAD v4.1: 1 of 1,610,776 alleles (0.000062%); highest among the groups gnomAD compares: African/African-American, 0.0013%; no homozygotes.

Submissions (3):

Myriad Genetics, Inc.
Classification: Benign for Lynch syndrome 4. Last evaluated: 2025-01-23. Review status: criteria provided, single submitter. Criteria: Myriad Autosomal Dominant, Autosomal Recessive and X-Linked Classification Criteria (2023). Collection method: clinical testing. Allele origin: unknown.
Comment: This variant is considered benign. This variant is a silent/synonymous amino acid change and it is not expected to impact splicing.

Ambry Genetics
Classification: Likely benign for Hereditary cancer-predisposing syndrome. Last evaluated: 2019-11-08. Review status: criteria provided, single submitter. Criteria: Ambry Variant Classification Scheme 2023. Collection method: clinical testing. Allele origin: germline.

Labcorp Genetics (formerly Invitae), Labcorp
Classification: Likely benign. Last evaluated: 2018-01-04. Review status: criteria provided, single submitter. Criteria: Invitae Variant Classification Sherloc (09022015). Collection method: clinical testing. Allele origin: germline.

NM_000535.7(PMS2):c.111T>C (p.Thr37=)

Gene: PMS2 (PMS1 homolog 2, mismatch repair system component; minus strand). Cytogenetic location: 7p22.1.
Variant type: single nucleotide variant.
Coding change: c.111T>C on transcript NM_000535.7 (MANE Select); coding-DNA position 111, T replaced by C.
Protein change: p.Thr37=; no amino-acid change (threonine 37 retained).
Molecular consequence: synonymous variant. On other transcripts: 5 prime UTR variant (8), non-coding transcript variant (1), intron variant (3).
Genome position (GRCh38, 1-based): chr7:6,005,944, A>G on the plus strand (T>C on the coding strand, the complement: PMS2 is on the minus strand). VCF-style: chr7-6005944-A-G. GRCh37 (hg19) VCF-style: chr7-6045575-A-G.
Other names: c.-295T>C (NM_001322003.2, NM_001322005.2, NM_001322009.2 and 1 more transcripts); c.111T>C, p.Thr37= (NM_001322006.2, NM_001322014.2); c.-105T>C (NM_001322007.2); c.-774T>C (NM_001322011.2, NM_001322012.2); c.-374T>C (NM_001322015.2); c.-52-1886T>C (NM_001322008.2); c.-242-1886T>C (NM_001322010.2, NM_001322004.2).
Identifiers: ClinVar variation 741317 (VCV000741317.8), dbSNP rs1583418955, ClinGen allele CA453650176.